The following is an entry in ClinVar:

NM_001267550.2(TTN):c.11311+3456A>G

Gene: TTN (titin; minus strand). Cytogenetic location: 2q31.2.
Variant type: single nucleotide variant.
Coding change: c.11311+3456A>G on transcript NM_001267550.2 (MANE Select); 3456 bases into the intron after coding-DNA position 11311, A replaced by G.
Molecular consequence: intron variant. On other transcripts: synonymous variant (1).
Genome position (GRCh38, 1-based): chr2:178,749,668, T>C on the plus strand (A>G on the coding strand, the complement: TTN is on the minus strand). VCF-style: chr2-178749668-T-C. GRCh37 (hg19) VCF-style: chr2-179614395-T-C.
Other names: c.12732A>G, p.Ser4244= (NM_133379.5); c.10222+3456A>G (NM_003319.4); c.10798+3456A>G (NM_133437.4); c.10597+3456A>G (NM_133432.3); c.10360+3456A>G (NM_133378.4, NM_001256850.1).
Identifiers: ClinVar variation 4821312 (VCV004821312.4).
Genomic context (GRCh38, chr2:178,749,668, plus strand): 5'-TTCACCAATATTTTCGAATTGACTATTTTCTCTATAAGTGACAGGCTCCACTGTTAGATC[T>C]GAAACACTTTCAACTGCCCCTGAATTGTTTTCAGCAACACATTTATATTTTCCAGAATCT-3'

ClinVar aggregate classification (germline): Likely benign (1 of 4 stars; one submission).

gnomAD v4.1: 30 of 1,612,828 alleles (0.0019%); highest among the groups gnomAD compares: Non-Finnish European, 0.0025%; no homozygotes.

Submission:

CeGaT Center for Human Genetics Tuebingen
Classification: Likely benign. Last evaluated: 2025-12-01. Review status: criteria provided, single submitter. Criteria: CeGaT Center For Human Genetics Tuebingen Variant Classification Criteria Version 2. Collection method: clinical testing. Allele origin: germline. Affected: yes. Observed: 1 variant allele.
Comment: TTN: BP4, BP7